The following is an entry in ClinVar:

ClinVar aggregate classification (germline): Likely benign (1 of 4 stars; one submission).

gnomAD v4.1: 2 of 1,141,680 alleles (0.00018%); highest among the groups gnomAD compares: Non-Finnish European, 0.00021%; no homozygotes.

Submission:

CeGaT Center for Human Genetics Tuebingen
Classification: Likely benign. Last evaluated: 2026-06-01. Review status: criteria provided, single submitter. Criteria: CeGaT Center For Human Genetics Tuebingen Variant Classification Criteria Version 2. Collection method: clinical testing. Allele origin: germline. Affected: yes. Observed: 1 variant allele.
Comment: NR2F1: BP4, BP7

NM_005654.6(NR2F1):c.126G>A (p.Gln42=)

Genes: NR2F1 (nuclear receptor subfamily 2 group F member 1; plus strand), NR2F1-AS1 (NR2F1 regulatory antisense RNA 1; minus strand). Cytogenetic location: 5q15.
Variant type: single nucleotide variant.
Coding change: c.126G>A on transcript NM_005654.6 (MANE Select); coding-DNA position 126, G replaced by A.
Protein change: p.Gln42=; no amino-acid change (glutamine 42 retained).
Molecular consequence: synonymous variant.
Genome position (GRCh38, 1-based): chr5:93,585,149, G>A. VCF-style: chr5-93585149-G-A. GRCh37 (hg19) VCF-style: chr5-92920855-G-A.
Identifiers: ClinVar variation 4875194 (VCV004875194.2).
Genomic context (GRCh38, chr5:93,585,149, plus strand): 5'-CCCCAACCCCGCAGCGCAGGCGGCCCGCGGCGGCGGCGGCGGCGCCGGCGAGCAGCAGCA[G>A]CAGGCGGGCTCGGGCGCGCCGCACACGCCGCAGACCCCGGGCCAGCCCGGAGCGCCCGCC-3'
Protein context (NP_005645.1, residues 32-52): GGGGGAGEQQ[Gln42=]QAGSGAPHTP